The following is an entry in ClinVar:

NM_133433.4(NIPBL):c.1985A>G (p.Lys662Arg)

Gene: NIPBL (NIPBL cohesin loading factor; plus strand). Cytogenetic location: 5p13.2.
Variant type: single nucleotide variant.
Coding change: c.1985A>G on transcript NM_133433.4 (MANE Select); coding-DNA position 1985, A replaced by G.
Protein change: p.Lys662Arg; replaces lysine 662 with arginine.
Molecular consequence: missense variant.
Genome position (GRCh38, 1-based): chr5:36,985,165, A>G. VCF-style: chr5-36985165-A-G. GRCh37 (hg19) VCF-style: chr5-36985267-A-G.
Other names: c.1985A>G, p.Lys662Arg (NM_015384.5); short protein forms K662R.
Identifiers: ClinVar variation 96331 (VCV000096331.30), dbSNP rs140100861, ClinGen allele CA172657.
Genomic context (GRCh38, chr5:36,985,165, plus strand): 5'-CTAAAGTTGAGACCCAAACAGAAGAACTTAAACAGAATGAGAGCAGAACAACTGAATGCA[A>G]ACAAAACGAGAGCACCATAGTTGAGCCTAAACAAAATGAAAATAGACTGTCTGACACAAA-3'
Protein context (NP_597677.2, residues 652-672): KQNESRTTEC[Lys662Arg]QNESTIVEPK

ClinVar aggregate classification (germline): Benign/Likely benign. Review status: criteria provided, multiple submitters, no conflicts (2 of 4 stars). 9 submissions from 9 submitters: Benign (6); Likely benign (3). Last evaluated 2026-02-03.

Conditions:
Inborn genetic diseases. Identifiers: MedGen C0950123, MeSH D030342.
Cornelia de Lange syndrome 1 (CDLS1). Also called: TYPUS DEGENERATIVUS AMSTELODAMENSIS; Brachmann de Lange syndrome; NIPBL-Related Cornelia de Lange Syndrome. Identifiers: Orphanet 199, MedGen C4551851, MONDO:0007387, OMIM 122470.

Allele frequency attached by ClinVar (database versions not stated): 1000 Genomes Project 0.00120; TOPMed 0.00223; ESP Exome Variant Server 0.00015; gnomAD exomes 0.00080 and 0.00399; gnomAD 0.00093 and 0.00095; 1000 Genomes Project 30x 0.00125; ExAC 0.00315.
gnomAD v4.1: 1,283 of 1,613,990 alleles (0.079%); highest among the groups gnomAD compares: Admixed American, 2.1%; 26 homozygotes.

Submissions (9):

Labcorp Genetics (formerly Invitae), Labcorp
Classification: Benign for Cornelia de Lange syndrome 1. Last evaluated: 2026-02-03. Review status: criteria provided, single submitter. Criteria: Invitae Variant Classification Sherloc (09022015). Collection method: clinical testing. Allele origin: germline.

Genome-Nilou Lab
Classification: Benign for Cornelia de Lange syndrome 1. Last evaluated: 2021-07-15. Review status: criteria provided, single submitter. Criteria: ACMG Guidelines, 2015. Collection method: clinical testing. Allele origin: germline. Affected: no.

Illumina Laboratory Services, Illumina
Classification: Benign for Cornelia de Lange syndrome 1. Last evaluated: 2018-01-13. Review status: criteria provided, single submitter. Criteria: ICSL Variant Classification Criteria 13 December 2019. Collection method: clinical testing. Allele origin: germline.
Comment: This variant was observed in the ICSL laboratory as part of a predisposition screen in an ostensibly healthy population. It had not been previously curated by ICSL or reported in the Human Gene Mutation Database (HGMD: prior to June 1st, 2018), and was therefore a candidate for classification through an automated scoring system. Utilizing variant allele frequency, disease prevalence and penetrance estimates, and inheritance mode, an automated score was calculated to assess if this variant is too frequent to cause the disease. Based on the score and internal cut-off values, a variant classified as benign is not then subjected to further curation. The score for this variant resulted in a classification of benign for this disease.

Center for Pediatric Genomic Medicine, Children's Mercy Hospital and Clinics
Classification: Likely benign. Last evaluated: 2017-07-31. Review status: criteria provided, single submitter. Criteria: ACMG Guidelines, 2015. Collection method: clinical testing. Allele origin: germline.

Ambry Genetics
Classification: Benign for Inborn genetic diseases. Last evaluated: 2016-04-08. Review status: criteria provided, single submitter. Criteria: Ambry Variant Classification Scheme 2023. Collection method: clinical testing. Allele origin: germline.

GeneDx
Classification: Benign. Last evaluated: 2015-03-03. Review status: criteria provided, single submitter. Criteria: GeneDx Variant Classification Process June 2021. Collection method: clinical testing. Allele origin: germline. Affected: yes.

Genetic Services Laboratory, University of Chicago
Classification: Benign. Last evaluated: 2013-02-08. Review status: criteria provided, single submitter. Criteria: ACMG Guidelines, 2007. Collection method: clinical testing. Allele origin: germline. Inheritance: Autosomal dominant inheritance.

Eurofins Ntd Llc (ga)
Classification: Likely benign. Last evaluated: 2012-08-16. Review status: criteria provided, single submitter. Criteria: EGL Classification Definitions 2015. Collection method: clinical testing. Allele origin: germline. Observed: 4 variant alleles, 4 heterozygotes.

Breakthrough Genomics
Classification: Likely benign. Review status: criteria provided, single submitter. Criteria: ACMG Guidelines, 2015. Collection method: not provided. Allele origin: germline. Inheritance: Autosomal dominant inheritance. Affected: yes.